The following is an entry in ClinVar:

NM_004269.4(MED27):c.188T>G (p.Val63Gly)

Gene: MED27 (mediator complex subunit 27; minus strand). Cytogenetic location: 9q34.13.
Variant type: single nucleotide variant.
Coding change: c.188T>G on transcript NM_004269.4 (MANE Select); coding-DNA position 188, T replaced by G.
Protein change: p.Val63Gly; replaces valine 63 with glycine.
Molecular consequence: missense variant.
Genome position (GRCh38, 1-based): chr9:132,079,657, A>C on the plus strand (T>G on the coding strand, the complement: MED27 is on the minus strand). VCF-style: chr9-132079657-A-C. GRCh37 (hg19) VCF-style: chr9-134955044-A-C.
Other names: c.188T>G, p.Val63Gly (NM_001253881.2, NM_001253882.2); short protein forms V63G.
Identifiers: ClinVar variation 1064747 (VCV001064747.3), dbSNP rs774752053, ClinGen allele CA5295771.

ClinVar aggregate classification (germline): Uncertain significance. Review status: criteria provided, single submitter (1 of 4 stars). 2 submissions from 2 submitters: Uncertain significance (1). 1 of the submissions does not count toward it. Last evaluated 2024-08-06.

Conditions:
Neurodevelopmental disorder with spasticity, cataracts, and cerebellar hypoplasia. Also called: NEURODEVELOPMENTAL DISORDER WITH SPASTICITY, CATARACTS, AND CEREBELLAR ATROPHY. Identifiers: MedGen C5543306, MONDO:0859137, OMIM 619286.

Allele frequency attached by ClinVar (database versions not stated): gnomAD exomes 0.00001; TOPMed 0.00001; ExAC 0.00001.

Submissions (2):

3billion
Classification: Uncertain significance for Neurodevelopmental disorder with spasticity, cataracts, and cerebellar hypoplasia. Last evaluated: 2024-08-06. Review status: criteria provided, single submitter. Criteria: ACMG Guidelines, 2015. Collection method: clinical testing. Allele origin: germline. Affected: yes.
Comment: The variant is observed at an extremely low frequency in the gnomAD v4.0.0 dataset (total allele frequency: <0.001%). Predicted Consequence/Location: Missense variant The same nucleotide change resulting in the same amino acid change has been previously reported to be associated with MED27 related disorder (ClinVar ID: VCV001064747 /PMID: 33443317). However, the evidence of pathogenicity is insufficient at this time. Therefore, this variant is classified as VUS according to the recommendation of ACMG/AMP guideline.

OMIM
Classification: Pathogenic for NEURODEVELOPMENTAL DISORDER WITH SPASTICITY, CATARACTS, AND CEREBELLAR ATROPHY. Last evaluated: 2026-01-23. Review status: no assertion criteria provided. Collection method: literature only. Allele origin: germline. Not counted in ClinVar's aggregate classification.

Literature cited by the submitters: PubMed 33443317 (cited by 3billion and OMIM).